The following is an entry in ClinVar:

NM_194293.4(XIRP1):c.4557G>A (p.Glu1519=)

Gene: XIRP1 (xin actin binding repeat containing 1; minus strand). Cytogenetic location: 3p22.2.
Variant type: single nucleotide variant.
Coding change: c.4557G>A on transcript NM_194293.4 (MANE Select); coding-DNA position 4557, G replaced by A.
Protein change: p.Glu1519=; no amino-acid change (glutamic acid 1519 retained).
Molecular consequence: synonymous variant. On other transcripts: 3 prime UTR variant (1).
Genome position (GRCh38, 1-based): chr3:39,184,889, C>T on the plus strand (G>A on the coding strand, the complement: XIRP1 is on the minus strand). VCF-style: chr3-39184889-C-T. GRCh37 (hg19) VCF-style: chr3-39226380-C-T.
Other names: c.*764G>A (NM_001198621.4); c.606G>A, p.Glu202= (NM_001351377.2).
Identifiers: ClinVar variation 3041251 (VCV003041251.2), dbSNP rs1397854090, ClinGen allele CA433339052.

ClinVar aggregate classification (germline): Likely benign (0 of 4 stars; one submission).

Conditions:
XIRP1-related disorder. Also called: XIRP1-related condition.

Allele frequency attached by ClinVar (database versions not stated): TOPMed below 0.00001; gnomAD exomes 0.00001.

Submission:

PreventionGenetics, part of Exact Sciences
Classification: Likely benign for XIRP1-related condition. Last evaluated: 2019-05-10. Review status: no assertion criteria provided. Collection method: clinical testing. Allele origin: germline.
Comment: This variant is classified as likely benign based on ACMG/AMP sequence variant interpretation guidelines (Richards et al. 2015 PMID: 25741868, with internal and published modifications).